The following is an entry in ClinVar:

ClinVar aggregate classification (germline): Pathogenic/Likely pathogenic. Review status: criteria provided, multiple submitters, no conflicts (2 of 4 stars). 14 submissions from 14 submitters: Pathogenic (12); Likely pathogenic (2). Last evaluated 2026-04-16.

Conditions:
Autosomal recessive hypophosphatemic bone disease (HHRH). Also called: Hypophosphatemic rickets with hypercalciuria; HYPERCALCIURIC RICKETS. Identifiers: Orphanet 157215, MedGen C1853271, MONDO:0009431, OMIM 241530.
SLC34A3-related disorder. Also called: SLC34A3-related condition.

Allele frequency attached by ClinVar (database versions not stated): gnomAD 0.00016 and 0.00017; gnomAD exomes 0.00016 and 0.00038; ExAC 0.00021; TOPMed 0.00021; ESP Exome Variant Server 0.00023.
gnomAD v4.1: 603 of 1,606,892 alleles (0.038%); highest among the groups gnomAD compares: Non-Finnish European, 0.046%; 1 homozygote.

Submissions (14):

PreventionGenetics, part of Exact Sciences
Classification: Pathogenic for SLC34A3-related condition. Last evaluated: 2026-04-16. Review status: criteria provided, single submitter. Criteria: ACMG Guidelines, 2015. Collection method: clinical testing. Allele origin: germline.
Comment: The SLC34A3 c.448+1G>A variant is predicted to disrupt the GT donor site and interfere with normal splicing. This variant, alternatively referred to as g.1226G>A, has been reported with other SLC34A3 loss-of-function variants in two individuals with hereditary hypophosphataemic rickets with hypercalciuria (Phulwani et al. 2011. PubMed ID: 21344632; Chen et al. 2019. PubMed ID: 31440709) and in the compound heterozygous state with another SLC34A3 variant in an individual with recurrent nephrolithiasis and chronic kidney disease (Olarewaju et al. 2026. PubMed ID: 41849633). This variant is reported in 0.030% of alleles in individuals of European (non-Finnish) descent in gnomAD and is classified as likely pathogenic or pathogenic in ClinVar (Variation ID: 445687). Variants that disrupt the consensus splice donor site in SLC34A3 are expected to be pathogenic and an RT-PCR study confirms the loss-of-function effect of this variant (Phulwani et al. 2011. PubMed ID: 21344632). This variant is interpreted as pathogenic.

Women's Health and Genetics/Laboratory Corporation of America, LabCorp
Classification: Pathogenic for Hereditary Hypophosphatemic Rickets With Hypercalciuria. Last evaluated: 2026-03-10. Review status: criteria provided, single submitter. Criteria: LabCorp Variant Classification Summary - May 2015. Collection method: clinical testing. Allele origin: germline.
Comment: Variant summary: SLC34A3 c.448+1G>A is located in a canonical splice-site and is predicted to affect mRNA splicing resulting in a significantly altered protein due to either exon skipping, shortening, or inclusion of intronic material. Variants that disrupt the consensus splice site are a relatively common cause of aberrant splicing and loss of SLC34A3 function. Several computational tools predict a significant impact on normal splicing: Two predict the variant abolishes a 5' splicing donor site. RT-PCR on patient lymphoblastoid cells suggests this variant results in a deletion of 22 nucleotides, however, results were not shown (Phulwani_2011). The variant allele was found at a frequency of 0.00016 in 235288 control chromosomes in the gnomAD database, including 1 homozygotes. This frequency is not significantly higher than estimated for disease-causing variants in SLC34A3, allowing no conclusion about variant significance. c.448+1G>A has been observed in compound heterozygous individual(s) affected with Hereditary Hypophosphatemic Rickets With Hypercalciuria (Phulwani_2011, Chen_2019). These data indicate that the variant may be associated with disease. To our knowledge, no experimental evidence demonstrating an impact on protein function has been reported. The following publications have been ascertained in the context of this evaluation (PMID: 21344632, 31440709). ClinVar contains an entry for this variant (Variation ID: 445687). Based on the evidence outlined above, the variant was classified as pathogenic.

Labcorp Genetics (formerly Invitae), Labcorp
Classification: Pathogenic. Last evaluated: 2025-11-19. Review status: criteria provided, single submitter. Criteria: Invitae Variant Classification Sherloc (09022015). Collection method: clinical testing. Allele origin: germline.
Comment: This sequence change affects a donor splice site in intron 5 of the SLC34A3 gene. It is expected to disrupt RNA splicing. Variants that disrupt the donor or acceptor splice site typically lead to a loss of protein function (PMID: 16199547), and loss-of-function variants in SLC34A3 are known to be pathogenic (PMID: 16358214, 16358215, 22159077). This variant is present in population databases (rs150841256, gnomAD 0.03%), including at least one homozygous and/or hemizygous individual. Disruption of this splice site has been observed in individual(s) with hypophosphatemic rickets with hypercalciuria (PMID: 21344632, 31440709). ClinVar contains an entry for this variant (Variation ID: 445687). Algorithms developed to predict the effect of sequence changes on RNA splicing suggest that this variant may disrupt the consensus splice site. For these reasons, this variant has been classified as Pathogenic.

Rare Kidney Stone Consortium and the Mayo Clinic Hyperoxaluria Center, Mayo Clinic
Classification: Pathogenic for Autosomal recessive hypophosphatemic bone disease. Last evaluated: 2025-10-03. Review status: criteria provided, single submitter. Criteria: ACMG Guidelines, 2015. Collection method: research. Allele origin: germline. Affected: yes. Observed: 4 variant alleles.

Variantyx, Inc.
Classification: Pathogenic for Autosomal recessive hypophosphatemic bone disease. Last evaluated: 2025-09-19. Review status: criteria provided, single submitter. Criteria: Variantyx Assertion Criteria 2022. Collection method: clinical testing. Allele origin: germline. Inheritance: Autosomal recessive inheritance. Affected: no.
Comment: This is a canonical splicing variant in the SLC34A3 gene (OMIM: 609826). Pathogenic variants in this gene have been associated with autosomal recessive hypophosphatemic rickets with hypercalciuria. This splicing variant is expected to result in loss of function, which is a known disease mechanism for SLC34A3 in this disorder (PVS1). This variant has been reported in the compound heterozygous state in at least 2 affected individuals (PMID: 31440709, 21344632) (PM3) and has a 0.0463% maximum allele frequency in non-founder control populations (PM2). Based on the current evidence, this variant is classified as pathogenic for autosomal recessive hypophosphatemic rickets with hypercalciuria.

Mayo Clinic Laboratories, Mayo Clinic
Classification: Pathogenic. Last evaluated: 2025-05-12. Review status: criteria provided, single submitter. Criteria: ACMG Guidelines, 2015. Collection method: clinical testing. Allele origin: germline. Observed: 1 variant allele.
Comment: PM3_strong, PS1_supporting, PVS1

Blueprint Genetics
Classification: Pathogenic for SLC34A3-related disorders. Last evaluated: 2024-11-18. Review status: criteria provided, single submitter. Criteria: ACMG Guidelines, 2015. Collection method: clinical testing. Allele origin: germline. Affected: yes. Observed: 5 variant alleles.

Victorian Clinical Genetics Services, Murdoch Childrens Research Institute
Classification: Pathogenic for Autosomal recessive hypophosphatemic bone disease. Last evaluated: 2024-10-09. Review status: criteria provided, single submitter. Criteria: ACMG Guidelines, 2015. Collection method: clinical testing. Allele origin: germline. Inheritance: Autosomal recessive inheritance. Affected: yes.
Comment: Based on the classification scheme VCGS_Germline_v1.3.4, this variant is classified as Pathogenic. Following criteria are met: 0102 - Loss of function is a known mechanism of disease in this gene and is associated with hypophosphatemic rickets with hypercalciuria (MIM#241530). (I) 0108 - This gene is associated with both recessive and dominant disease. Monoallelic inheritance has been reported in association with mild hypercalciuria, mild hypophosphatemia, and an absence of rickets or bone disease (OMIM; PMIDs: 16358214, 22806288, 21344632). (I) 0115 - Variants in this gene are known to have variable expressivity. Approximately 45% of compound heterozygotes present with rickets (PMID: 32524022). (I) 0211 - Canonical splice site variant without proven consequence on splicing (no functional evidence available). RT-PCR on lymphoblastoid cells of an affected compound heterozygous individual suggests this variant results in deletion of the the first 22 nucleotides in exon 5, predicted to cause a frameshift and truncated protein. However, data was not shown (PMID: 21344632). (SP) 0251 - This variant is heterozygous. (I) 0304 - Variant is present in gnomAD <0.01 for a recessive condition (v2: 39 heterozygotes, 1 homozygote). (SP) 0311 - An alternative nucleotide change at the same canonical splice site is present in gnomAD (v3) (2 heterozygotes, 0 homozygotes). (I) 0505 - Abnormal splicing is predicted by in silico tools and affected nucleotide is highly conserved. (SP) 0704 - Another splice variant comparable to the one identified in this case has limited previous evidence for pathogenicity. (SP) 0801 - This variant has strong previous evidence of pathogenicity in unrelated individuals. It has been reported in compound heterozygous and heterozygous individuals with hereditary hypophosphatemic rickets with hypercalciuria (PMIDs: 21344632, 34805638; 31440709). It has also been reported as pathogenic/likely pathogenic by multiple clinical laboratories (ClinVar). (SP) 1208 - Inheritance information for this variant is not currently available in this individual. (I) Legend: (SP) - Supporting pathogenic, (I) - Information, (SB) - Supporting benign

Fulgent Genetics
Classification: Pathogenic for Autosomal recessive hypophosphatemic bone disease. Last evaluated: 2024-06-19. Review status: criteria provided, single submitter. Criteria: ACMG Guidelines, 2015. Collection method: clinical testing. Allele origin: germline.

CeGaT Center for Human Genetics Tuebingen
Classification: Pathogenic. Last evaluated: 2023-08-01. Review status: criteria provided, single submitter. Criteria: CeGaT Center For Human Genetics Tuebingen Variant Classification Criteria Version 2. Collection method: clinical testing. Allele origin: germline. Affected: yes. Observed: 1 variant allele.
Comment: SLC34A3: PM3:Very Strong, PVS1:Strong, PM2:Supporting, PS3:Supporting

GeneDx
Classification: Likely pathogenic. Last evaluated: 2017-12-19. Review status: criteria provided, single submitter. Criteria: GeneDx Variant Classification (06012015). Collection method: clinical testing. Allele origin: germline. Affected: yes.
Comment: The c.448+1G>A variant in the SLC34A3 gene has been reported previously, using alternate nomenclature g.1226G>A, in an individual with HHRH who was compound heterozygous for c.448+1G>A and another SLC34A3 variant (Phulwani et al., 2011). RT-PCR studies of c.448+1G>A indicate that it creates an alternative splice donor site upstream of the natural splice donor site in intron 5, leading to a frameshift and a truncated transcript (Phulwani et al., 2011). The c.448+1G>A variant is observed in 35/118640 (0.03%) alleles from individuals of non-Finnish European background and in 39/261838 (0.015%) total alleles, including one homozygous individual, in large population cohorts (Lek et al., 2016). We interpret c.448+1G>A as a likely pathogenic variant.

Center for Pediatric Genomic Medicine, Children's Mercy Hospital and Clinics
Classification: Pathogenic. Last evaluated: 2017-09-25. Review status: criteria provided, single submitter. Criteria: ACMG Guidelines, 2015. Collection method: clinical testing. Allele origin: germline.

Eurofins Ntd Llc (ga)
Classification: Likely pathogenic. Last evaluated: 2017-08-07. Review status: criteria provided, single submitter. Criteria: EGL Classification Definitions 2015. Collection method: clinical testing. Allele origin: germline. Observed: 1 variant allele, 1 heterozygote.

CENTOGENE GmbH and LLC - Guiding Precision Medicine
Classification: Pathogenic for Hypophosphatemic rickets with hypercalciuria. Review status: criteria provided, single submitter. Criteria: ACMG Guidelines, 2015. Collection method: clinical testing. Allele origin: germline. Affected: yes.

Literature cited by the submitters: PubMed 21344632 (cited by 5 submitters); PubMed 31440709 (cited by 5 submitters); PubMed 16199547 (cited by Labcorp Genetics (formerly Invitae), Labcorp); PubMed 16358214 (cited by Labcorp Genetics (formerly Invitae), Labcorp and Victorian Clinical Genetics Services, Murdoch Childrens Research Institute); PubMed 16358215 (cited by Labcorp Genetics (formerly Invitae), Labcorp); PubMed 22159077 (cited by Labcorp Genetics (formerly Invitae), Labcorp); PubMed 40794449 (cited by Rare Kidney Stone Consortium and the Mayo Clinic Hyperoxaluria Center, Mayo Clinic); PubMed 22806288 (cited by Mayo Clinic Laboratories, Mayo Clinic and Victorian Clinical Genetics Services, Murdoch Childrens Research Institute); PubMed 34666334 (cited by Mayo Clinic Laboratories, Mayo Clinic); PubMed 34805638 (cited by Mayo Clinic Laboratories, Mayo Clinic and Victorian Clinical Genetics Services, Murdoch Childrens Research Institute); PubMed 37414395 (cited by Mayo Clinic Laboratories, Mayo Clinic); PubMed 32524022 (cited by Victorian Clinical Genetics Services, Murdoch Childrens Research Institute).

NM_001177316.2(SLC34A3):c.448+1G>A

Gene: SLC34A3 (solute carrier family 34 member 3; plus strand). Cytogenetic location: 9q34.3.
Variant type: single nucleotide variant.
Coding change: c.448+1G>A on transcript NM_001177316.2 (MANE Select); the canonical splice donor site of the intron after coding-DNA position 448, G replaced by A.
Molecular consequence: splice donor variant.
Genome position (GRCh38, 1-based): chr9:137,232,928, G>A. VCF-style: chr9-137232928-G-A. GRCh37 (hg19) VCF-style: chr9-140127380-G-A.
Other names: c.448+1G>A (NM_001177317.2, NM_080877.3).
Identifiers: ClinVar variation 445687 (VCV000445687.58), dbSNP rs150841256, ClinGen allele CA5364380.